The following is an entry in ClinVar:

ClinVar aggregate classification (germline): Uncertain significance (1 of 4 stars; one submission).

gnomAD v4.1: 1 of 1,613,994 alleles (0.000062%); highest among the groups gnomAD compares: Non-Finnish European, 0.000085%; no homozygotes.

Submission:

GeneDx
Classification: Uncertain significance. Last evaluated: 2023-08-04. Review status: criteria provided, single submitter. Criteria: GeneDx Variant Classification Process June 2021. Collection method: clinical testing. Allele origin: germline. Affected: yes.
Comment: Not observed at significant frequency in large population cohorts (gnomAD); In silico analysis supports that this missense variant does not alter protein structure/function; Has not been previously published as pathogenic or benign to our knowledge

NM_004655.4(AXIN2):c.1625T>G (p.Phe542Cys)

Gene: AXIN2 (axin 2; minus strand). Cytogenetic location: 17q24.1.
Variant type: single nucleotide variant.
Coding change: c.1625T>G on transcript NM_004655.4 (MANE Select); coding-DNA position 1625, T replaced by G.
Protein change: p.Phe542Cys; replaces phenylalanine 542 with cysteine.
Molecular consequence: missense variant.
Genome position (GRCh38, 1-based): chr17:65,537,411, A>C on the plus strand (T>G on the coding strand, the complement: AXIN2 is on the minus strand). VCF-style: chr17-65537411-A-C. GRCh37 (hg19) VCF-style: chr17-63533529-A-C.
Other names: c.1625T>G, p.Phe542Cys (NM_001363813.1); short protein forms F542C.
Identifiers: ClinVar variation 3361921 (VCV003361921.1).